The following is an entry in ClinVar:

NM_001377540.1(SLMAP):c.1895A>G (p.Glu632Gly)

Gene: SLMAP (sarcolemma associated protein; plus strand). Cytogenetic location: 3p14.3.
Variant type: single nucleotide variant.
Coding change: c.1895A>G on transcript NM_001377540.1 (MANE Select); coding-DNA position 1895, A replaced by G.
Protein change: p.Glu632Gly; replaces glutamic acid 632 with glycine.
Molecular consequence: missense variant. On other transcripts: non-coding transcript variant (1).
Genome position (GRCh38, 1-based): chr3:57,912,576, A>G. VCF-style: chr3-57912576-A-G. GRCh37 (hg19) VCF-style: chr3-57898303-A-G.
Other names: c.1772A>G, p.Glu591Gly (NM_001377555.1); c.1730A>G, p.Glu577Gly (NM_001377557.1, NM_001377559.1, NM_001304421.2); c.1721A>G, p.Glu574Gly (NM_001377562.1, NM_001377921.1); c.1709A>G, p.Glu570Gly (NM_001377922.1); c.1670A>G, p.Glu557Gly (NM_001377923.1); c.1658A>G, p.Glu553Gly (NM_001377924.1); c.1607A>G, p.Glu536Gly (NM_001377925.1); c.323A>G, p.Glu108Gly (NM_001377926.1, NM_001311179.2, NM_001377927.1 and 1 more transcripts); and 8 more; short protein forms E536G, E553G, E149G, E557G, E570G, E591G, E611G, E632G.
Identifiers: ClinVar variation 5029682 (VCV005029682.1).

ClinVar aggregate classification (germline): Uncertain significance (1 of 4 stars; one submission).

Submission:

Ambry Genetics
Classification: Uncertain significance. Last evaluated: 2026-08-16. Review status: criteria provided, single submitter. Criteria: Ambry Variant Classification Scheme 2023. Collection method: clinical testing. Allele origin: germline.
Comment: The p.E598G variant (also known as c.1793A>G), located in coding exon 17 of the SLMAP gene, results from an A to G substitution at nucleotide position 1793. The glutamic acid at codon 598 is replaced by glycine, an amino acid with similar properties. This amino acid position is conserved. In addition, the in silico prediction for this alteration is inconclusive. Based on the available evidence, the clinical significance of this variant remains unclear.